The following is an entry in ClinVar:

NM_015512.5(DNAH1):c.3649G>C (p.Glu1217Gln)

Gene: DNAH1 (dynein axonemal heavy chain 1; plus strand). Cytogenetic location: 3p21.1.
Variant type: single nucleotide variant.
Coding change: c.3649G>C on transcript NM_015512.5 (MANE Select); coding-DNA position 3649, G replaced by C.
Protein change: p.Glu1217Gln; replaces glutamic acid 1217 with glutamine.
Molecular consequence: missense variant.
Genome position (GRCh38, 1-based): chr3:52,355,011, G>C. VCF-style: chr3-52355011-G-C. GRCh37 (hg19) VCF-style: chr3-52389027-G-C.
Other names: short protein forms E1217Q.
Identifiers: ClinVar variation 642004 (VCV000642004.6), dbSNP rs1578130175, ClinGen allele CA353117715.

ClinVar aggregate classification (germline): Uncertain significance (1 of 4 stars; one submission).

Conditions:
Spermatogenic failure 18. Identifiers: MedGen C4539783, MONDO:0054615, OMIM 617576.
Ciliary dyskinesia, primary, 37 (CILD37). Also called: CILIARY DYSKINESIA, PRIMARY, 37, WITH OR WITHOUT SITUS INVERSUS. Identifiers: MedGen C4539798, MONDO:0033204, OMIM 617577.

Allele frequency attached by ClinVar (database versions not stated): gnomAD exomes below 0.00001.
gnomAD v4.1: 1 of 1,613,910 alleles (0.000062%); highest among the groups gnomAD compares: Non-Finnish European, 0.000085%; no homozygotes.

Submission:

Labcorp Genetics (formerly Invitae), Labcorp
Classification: Uncertain significance for Ciliary dyskinesia, primary, 37; Spermatogenic failure 18. Last evaluated: 2023-08-30. Review status: criteria provided, single submitter. Criteria: Invitae Variant Classification Sherloc (09022015). Collection method: clinical testing. Allele origin: germline.
Comment: This sequence change replaces glutamic acid, which is acidic and polar, with glutamine, which is neutral and polar, at codon 1217 of the DNAH1 protein (p.Glu1217Gln). This variant is not present in population databases (gnomAD no frequency). This variant has not been reported in the literature in individuals affected with DNAH1-related conditions. ClinVar contains an entry for this variant (Variation ID: 642004). Advanced modeling of protein sequence and biophysical properties (such as structural, functional, and spatial information, amino acid conservation, physicochemical variation, residue mobility, and thermodynamic stability) has been performed at Invitae for this missense variant, however the output from this modeling did not meet the statistical confidence thresholds required to predict the impact of this variant on DNAH1 protein function. In summary, the available evidence is currently insufficient to determine the role of this variant in disease. Therefore, it has been classified as a Variant of Uncertain Significance.